The following is an entry in ClinVar:

ClinVar aggregate classification (germline): Uncertain significance. Review status: criteria provided, multiple submitters, no conflicts (2 of 4 stars). 3 submissions from 3 submitters: Uncertain significance (3). Last evaluated 2025-10-03.

Conditions:
Cardiovascular phenotype. Identifiers: MedGen CN230736.

Allele frequency attached by ClinVar (database versions not stated): gnomAD 0.00001.
gnomAD v4.1: 5 of 1,549,026 alleles (0.00032%); highest among the groups gnomAD compares: African/African-American, 0.0014%; no homozygotes.

Submissions (3):

Mayo Clinic Laboratories, Mayo Clinic
Classification: Uncertain significance. Last evaluated: 2025-10-03. Review status: criteria provided, single submitter. Criteria: ACMG Guidelines, 2015. Collection method: clinical testing. Allele origin: germline. Observed: 1 variant allele.
Comment: BP4_moderate, PM2_supporting

Labcorp Genetics (formerly Invitae), Labcorp
Classification: Uncertain significance. Last evaluated: 2024-10-21. Review status: criteria provided, single submitter. Criteria: Invitae Variant Classification Sherloc (09022015). Collection method: clinical testing. Allele origin: germline.
Comment: This sequence change replaces proline, which is neutral and non-polar, with alanine, which is neutral and non-polar, at codon 334 of the ZNF469 protein (p.Pro334Ala). This variant is present in population databases (no rsID available, gnomAD 0.01%). This variant has not been reported in the literature in individuals affected with ZNF469-related conditions. An algorithm developed to predict the effect of missense changes on protein structure and function outputs the following: PolyPhen-2: "Benign". The alanine amino acid residue is found in multiple mammalian species, which suggests that this missense change does not adversely affect protein function. In summary, the available evidence is currently insufficient to determine the role of this variant in disease. Therefore, it has been classified as a Variant of Uncertain Significance.

Ambry Genetics
Classification: Uncertain significance for Cardiovascular phenotype. Last evaluated: 2024-01-08. Review status: criteria provided, single submitter. Criteria: Ambry Variant Classification Scheme 2023. Collection method: clinical testing. Allele origin: germline.

NM_001367624.2(ZNF469):c.1000C>G (p.Pro334Ala)

Gene: ZNF469 (zinc finger protein 469; plus strand). Cytogenetic location: 16q24.2.
Variant type: single nucleotide variant.
Coding change: c.1000C>G on transcript NM_001367624.2 (MANE Select); coding-DNA position 1000, C replaced by G.
Protein change: p.Pro334Ala; replaces proline 334 with alanine.
Molecular consequence: missense variant.
Genome position (GRCh38, 1-based): chr16:88,428,470, C>G. VCF-style: chr16-88428470-C-G. GRCh37 (hg19) VCF-style: chr16-88494878-C-G.
Other names: NM_001127464.1:c.1000C>G; p.Pro334Ala; short protein forms P334A.
Identifiers: ClinVar variation 3195970 (VCV003195970.4), dbSNP rs1249426812, ClinGen allele CA397062566.